The following is an entry in ClinVar:

ClinVar aggregate classification (germline): Uncertain significance (1 of 4 stars; one submission).

Submission:

Labcorp Genetics (formerly Invitae), Labcorp
Classification: Uncertain significance. Last evaluated: 2023-02-16. Review status: criteria provided, single submitter. Criteria: Invitae Variant Classification Sherloc (09022015). Collection method: clinical testing. Allele origin: unknown.
Comment: This variant results in a copy number gain of the genomic region encompassing exon(s) 4-10 of the SLC25A21 gene. This region includes the termination codon of the gene. This copy number gain extends beyond the assayed region for this gene and therefore may encompass additional genes. As the precise location of this event is unknown, it may be in tandem or it may be located elsewhere in the genome. This variant has not been reported in the literature in individuals affected with SLC25A21-related conditions. In summary, the available evidence is currently insufficient to determine the role of this variant in disease. Therefore, it has been classified as a Variant of Uncertain Significance.

NC_000014.8:g.(?_36986483)_(37203798_?)dup

Genes: NKX2-1 (NK2 homeobox 1; minus strand), NKX2-8 (NK2 homeobox 8; minus strand), PAX9 (paired box 9; plus strand), SLC25A21 (solute carrier family 25 member 21; minus strand). Cytogenetic location: 14q13.3.
Variant type: Duplication.
Identifiers: ClinVar variation 3244100 (VCV003244100.1).